The following is an entry in ClinVar:

ClinVar aggregate classification (germline): Pathogenic (1 of 4 stars; one submission).

Conditions:
Thrombophilia, X-linked, due to factor 9 defect. Identifiers: MedGen C2749016, MONDO:0010432, OMIM 300807.
Hereditary factor IX deficiency disease (HEMB). Also called: Christmas Disease; F9 DEFICIENCY; FACTOR IX DEFICIENCY; PLASMA THROMBOPLASTIN COMPONENT DEFICIENCY; Hemophilia B. Identifiers: Orphanet 98879, MedGen C0008533, MeSH D002836, MONDO:0010604, OMIM 306900.

Submission:

Labcorp Genetics (formerly Invitae), Labcorp
Classification: Pathogenic for Thrombophilia, X-linked, due to factor 9 defect; Hereditary factor IX deficiency disease. Last evaluated: 2024-03-20. Review status: criteria provided, single submitter. Criteria: Invitae Variant Classification Sherloc (09022015). Collection method: clinical testing. Allele origin: germline.
Comment: This sequence change affects codon 162 of the F9 mRNA. It is a 'silent' change, meaning that it does not change the encoded amino acid sequence of the F9 protein. RNA analysis indicates that this variant induces altered splicing and likely results in a shortened protein product. This variant is not present in population databases (gnomAD no frequency). This variant has been observed in individuals with factor IX deficiency (hemophilia B) (PMID: 8091381, 16270648). This variant is also known as 17761C-A. Studies have shown that this variant alters F9 gene expression (PMID: 35391506). Studies have shown that this variant results in skipping of exon 5, but is expected to preserve the integrity of the reading-frame (PMID: 27227676, 31257730, 35391506). For these reasons, this variant has been classified as Pathogenic.

Literature cited by the submitters: PubMed 8091381; PubMed 16270648; PubMed 35391506; PubMed 27227676; PubMed 31257730.

NM_000133.4(F9):c.484C>A (p.Arg162=)

Gene: F9 (coagulation factor IX; plus strand). Cytogenetic location: Xq27.1.
Variant type: single nucleotide variant.
Coding change: c.484C>A on transcript NM_000133.4 (MANE Select); coding-DNA position 484, C replaced by A.
Protein change: p.Arg162=; no amino-acid change (arginine 162 retained).
Molecular consequence: synonymous variant.
Genome position (GRCh38, 1-based): chrX:139,548,455, C>A. VCF-style: chrX-139548455-C-A. GRCh37 (hg19) VCF-style: chrX-138630614-C-A.
Other names: c.370C>A, p.Arg124= (NM_001313913.2).
Identifiers: ClinVar variation 3759690 (VCV003759690.2).